The following is an entry in ClinVar:

NM_022089.4(ATP13A2):c.2609+10C>T

Gene: ATP13A2 (ATPase cation transporting 13A2; minus strand). Cytogenetic location: 1p36.13.
Variant type: single nucleotide variant.
Coding change: c.2609+10C>T on transcript NM_022089.4 (MANE Select); 10 bases into the intron after coding-DNA position 2609, C replaced by T.
Molecular consequence: intron variant.
Genome position (GRCh38, 1-based): chr1:16,989,681, G>A on the plus strand (C>T on the coding strand, the complement: ATP13A2 is on the minus strand). VCF-style: chr1-16989681-G-A. GRCh37 (hg19) VCF-style: chr1-17316176-G-A.
Other names: c.2477+10C>T (NM_001141974.3); c.2594+10C>T (NM_001141973.3); c.2609+10C>T (NM_022089.3).
Identifiers: ClinVar variation 293776 (VCV000293776.14), dbSNP rs759204814, ClinGen allele CA636776.

ClinVar aggregate classification (germline): Conflicting classifications of pathogenicity. Review status: criteria provided, conflicting classifications (1 of 4 stars). 3 submissions from 3 submitters: Uncertain significance (1); Likely benign (1). 1 of the submissions does not count toward it. Last evaluated 2026-01-24.

Conditions:
Autosomal recessive spastic paraplegia type 78. Identifiers: Orphanet 513436, MedGen C5567893, MONDO:0014975, OMIM 617225.
Kufor-Rakeb syndrome (KRS). Also called: PARKINSON DISEASE 9, AUTOSOMAL RECESSIVE, JUVENILE-ONSET. Identifiers: Orphanet 306674, Orphanet 314632, MedGen C1847640, MONDO:0011706, OMIM 606693.
ATP13A2-related disorder. Also called: ATP13A2-related disorders; ATP13A2-related condition.

Allele frequency attached by ClinVar (database versions not stated): gnomAD 0.00001 and 0.00005; TOPMed 0.00003; ExAC 0.00013; gnomAD exomes 0.00014 and 0.00018.
gnomAD v4.1: 268 of 1,613,884 alleles (0.017%); highest among the groups gnomAD compares: East Asian, 0.57%; 2 homozygotes.

Submissions (3):

Labcorp Genetics (formerly Invitae), Labcorp
Classification: Likely benign for Kufor-Rakeb syndrome; Autosomal recessive spastic paraplegia type 78. Last evaluated: 2026-01-24. Review status: criteria provided, single submitter. Criteria: Invitae Variant Classification Sherloc (09022015). Collection method: clinical testing. Allele origin: germline.

Illumina Laboratory Services, Illumina
Classification: Uncertain significance for Kufor-Rakeb syndrome. Last evaluated: 2018-01-13. Review status: criteria provided, single submitter. Criteria: ICSL Variant Classification Criteria 13 December 2019. Collection method: clinical testing. Allele origin: germline.

PreventionGenetics, part of Exact Sciences
Classification: Likely benign for ATP13A2-related condition. Last evaluated: 2019-03-14. Review status: no assertion criteria provided. Collection method: clinical testing. Allele origin: germline. Not counted in ClinVar's aggregate classification.
Comment: This variant is classified as likely benign based on ACMG/AMP sequence variant interpretation guidelines (Richards et al. 2015 PMID: 25741868, with internal and published modifications).